The following is an entry in ClinVar:

NM_206926.2(SELENON):c.8_12dup (p.Arg5fs)

Gene: SELENON (selenoprotein N; plus strand). Cytogenetic location: 1p36.11.
Variant type: Microsatellite.
Coding change: c.8_12dup on transcript NM_206926.2 (MANE Select); coding-DNA positions 8 to 12, 5 bases duplicated (GGGCC; older notation c.8_12dupGGGCC).
Protein change: p.Arg5fs; shifts the reading frame from arginine 5.
Molecular consequence: frameshift variant, initiator codon variant.
Genome position (GRCh38, 1-based): chr1:25,800,238-25,800,242, GGGCC duplicated; duplicating any 5 consecutive bases within chr1:25,800,233-25,800,242 gives the same sequence; the c. name uses the placement nearest the transcript's 3' end. VCF-style (leftmost placement, unchanged base first): chr1-25800232-T-TGGGCC. GRCh37 (hg19) VCF-style: chr1-26126723-T-TGGGCC.
Other names: c.8_12dup, p.Arg5fs (NM_020451.3); c.7_8insGGGCC (NM_020451.3); short protein forms R5fs.
Identifiers: ClinVar variation 623320 (VCV000623320.11), dbSNP rs1572226744, ClinGen allele CA913189297.
Genomic context (GRCh38, chr1:25,800,232, plus strand): 5'-CCGGCCCCGCCCCGCTCTTTCGCTTCCCGGGCCGCCGGCAGCCGCCGCCAGCCGCAGCCA[T>TGGGCC]GGGCCGGGCCCGGCCGGGCCAACGCGGGCCGCCCAGCCCCGGCCCCGCCGCGCAGCCTCC-3'

ClinVar aggregate classification (germline): Pathogenic. Review status: criteria provided, multiple submitters, no conflicts (2 of 4 stars). 3 submissions from 3 submitters: Pathogenic (2). 1 of the submissions does not count toward it. Last evaluated 2022-09-07.

Conditions:
Eichsfeld type congenital muscular dystrophy (CMYO3). Also called: MYOPATHY, SEPN1-RELATED; Rigid spine muscular dystrophy 1; SELENON-related myopathy; Congenital myopathy 3 with rigid spine. Identifiers: MedGen C0410180, MONDO:0100100, OMIM 602771.

Submissions (3):

Labcorp Genetics (formerly Invitae), Labcorp
Classification: Pathogenic for Eichsfeld type congenital muscular dystrophy. Last evaluated: 2022-09-07. Review status: criteria provided, single submitter. Criteria: Invitae Variant Classification Sherloc (09022015). Collection method: clinical testing. Allele origin: germline.
Comment: This sequence change creates a premature translational stop signal (p.Arg5Glyfs*63) in the SELENON gene. It is expected to result in an absent or disrupted protein product. Loss-of-function variants in SELENON are known to be pathogenic (PMID: 21131290, 21670436). The frequency data for this variant in the population databases is considered unreliable, as metrics indicate insufficient coverage at this position in the gnomAD database. This premature translational stop signal has been observed in individual(s) with SELENON-related conditions (PMID: 19557870). ClinVar contains an entry for this variant (Variation ID: 623320). For these reasons, this variant has been classified as Pathogenic.

Department of Genetics, Sultan Qaboos University Hospital
Classification: Pathogenic for Eichsfeld type congenital muscular dystrophy. Last evaluated: 2017-12-30. Review status: criteria provided, single submitter. Criteria: ACMG Guidelines, 2015. Collection method: curation. Allele origin: unknown. Affected: yes.

OMIM
Classification: Pathogenic for CONGENITAL MYOPATHY 3 WITH RIGID SPINE. Last evaluated: 2024-07-16. Review status: no assertion criteria provided. Collection method: literature only. Allele origin: germline. Not counted in ClinVar's aggregate classification.

Literature cited by the submitters: PubMed 21131290 (cited by Labcorp Genetics (formerly Invitae), Labcorp); PubMed 21670436 (cited by Labcorp Genetics (formerly Invitae), Labcorp); PubMed 19557870 (cited by Labcorp Genetics (formerly Invitae), Labcorp); PubMed 35368679 (cited by OMIM).